The following is an entry in ClinVar:

NM_032043.3(BRIP1):c.2350A>G (p.Ile784Val)

Gene: BRIP1 (BRCA1 interacting DNA helicase 1; minus strand). Cytogenetic location: 17q23.2.
Variant type: single nucleotide variant.
Coding change: c.2350A>G on transcript NM_032043.3 (MANE Select); coding-DNA position 2350, A replaced by G.
Protein change: p.Ile784Val; replaces isoleucine 784 with valine.
Molecular consequence: missense variant.
Genome position (GRCh38, 1-based): chr17:61,743,042, T>C on the plus strand (A>G on the coding strand, the complement: BRIP1 is on the minus strand). VCF-style: chr17-61743042-T-C. GRCh37 (hg19) VCF-style: chr17-59820403-T-C.
Other names: short protein forms I784V.
Identifiers: ClinVar variation 642537 (VCV000642537.9), dbSNP rs1603303771, ClinGen allele CA400482582.
Genomic context (GRCh38, chr17:61,743,042, plus strand): 5'-AATAATAAAACTTAAGGTTTTGATGGCCTACCTGTAGATCTTTCACATTTGGAAAAGGAA[T>C]TCCTATTGTTATGACAGCACGGGCATTGTCATCTGAGAAATCCAGACCCTCACTCACTTT-3'
Protein context (NP_114432.2, residues 774-794): DNARAVITIG[Ile784Val]PFPNVKDLQV

ClinVar aggregate classification (germline): Uncertain significance (1 of 4 stars; one submission).

Conditions:
Familial cancer of breast. Also called: hereditary breast carcinoma; BREAST CANCER, FAMILIAL; Hereditary breast cancer. Identifiers: Orphanet 227535, MedGen C0346153, MONDO:0016419, OMIM 114480. Disease mechanism: loss of function.
Fanconi anemia complementation group J. Also called: BRIP1-Related Fanconi Anemia. Identifiers: Orphanet 84, MedGen C1836860, MONDO:0012187, OMIM 609054.

Submission:

Labcorp Genetics (formerly Invitae), Labcorp
Classification: Uncertain significance for Familial cancer of breast; Fanconi anemia complementation group J. Last evaluated: 2025-09-13. Review status: criteria provided, single submitter. Criteria: Invitae Variant Classification Sherloc (09022015). Collection method: clinical testing. Allele origin: germline.
Comment: This sequence change replaces isoleucine, which is neutral and non-polar, with valine, which is neutral and non-polar, at codon 784 of the BRIP1 protein (p.Ile784Val). This variant is not present in population databases (gnomAD no frequency). This variant has not been reported in the literature in individuals affected with BRIP1-related conditions. ClinVar contains an entry for this variant (Variation ID: 642537). Invitae Evidence Modeling of protein sequence and biophysical properties (such as structural, functional, and spatial information, amino acid conservation, physicochemical variation, residue mobility, and thermodynamic stability) has been performed for this missense variant. However, the output from this modeling did not meet the statistical confidence thresholds required to predict the impact of this variant on BRIP1 protein function. In summary, the available evidence is currently insufficient to determine the role of this variant in disease. Therefore, it has been classified as a Variant of Uncertain Significance.